The following is an entry in ClinVar:

ClinVar aggregate classification (germline): Uncertain significance. Review status: criteria provided, multiple submitters, no conflicts (2 of 4 stars). 2 submissions from 2 submitters: Uncertain significance (2). Last evaluated 2023-02-19.

Conditions:
Intellectual developmental disorder, autosomal dominant 1. Also called: Intellectual disability, autosomal dominant 1; MBD5 Haploinsufficiency. Identifiers: Orphanet 228402, MedGen C1969562, MONDO:0007974, OMIM 156200.

Submissions (2):

Labcorp Genetics (formerly Invitae), Labcorp
Classification: Uncertain significance for Intellectual developmental disorder, autosomal dominant 1. Last evaluated: 2023-02-19. Review status: criteria provided, single submitter. Criteria: Invitae Variant Classification Sherloc (09022015). Collection method: clinical testing. Allele origin: germline.
Comment: This variant has not been reported in the literature in individuals affected with MBD5-related conditions. This sequence change replaces glutamine, which is neutral and polar, with lysine, which is basic and polar, at codon 1069 of the MBD5 protein (p.Gln1069Lys). This variant is not present in population databases (gnomAD no frequency). ClinVar contains an entry for this variant (Variation ID: 206096). Experimental studies and prediction algorithms are not available or were not evaluated, and the functional significance of this variant is currently unknown. In summary, the available evidence is currently insufficient to determine the role of this variant in disease. Therefore, it has been classified as a Variant of Uncertain Significance.

GeneDx
Classification: Uncertain significance. Last evaluated: 2014-05-08. Review status: criteria provided, single submitter. Criteria: GeneDx Variant Classification (06012015). Collection method: clinical testing. Allele origin: germline. Affected: yes.
Comment: p.Gln1069Lys (CAA>AAA): c.3205 C>A in exon 12 of the MBD5 gene (NM_018328.4) The Q1069K variant has not been published as a mutation, nor has it been reported as a benign polymorphism to our knowledge. It was not observed in approximately 6,500 individuals of European and African American ancestry in the NHLBI Exome Sequencing Project, indicating it is not a common benign variant in these populations. The Q1069K variant is a semi-conservative amino acid substitution, which may impact secondary protein structure as these residues differ in some properties. This substitution occurs at a position that is conserved across species. However, in silico analysis predicts the Q1069K variant likely does not alter the protein structure/function. To our knowledge, only deletions and frameshift mutations in MBD5 have been published in association with epilepsy. Therefore, based on the currently available information, it is unclear whether this variant is a pathogenic mutation or a rare benign variant. The variant is found in EPILEPSY panel(s).

NM_001378120.1(MBD5):c.3904C>A (p.Gln1302Lys)

Gene: MBD5 (methyl-CpG binding domain protein 5; plus strand). Cytogenetic location: 2q23.1.
Variant type: single nucleotide variant.
Coding change: c.3904C>A on transcript NM_001378120.1 (MANE Select); coding-DNA position 3904, C replaced by A.
Protein change: p.Gln1302Lys; replaces glutamine 1302 with lysine.
Molecular consequence: missense variant.
Genome position (GRCh38, 1-based): chr2:148,489,536, C>A. VCF-style: chr2-148489536-C-A. GRCh37 (hg19) VCF-style: chr2-149247105-C-A.
Other names: p.Q1069K:CAA>AAA; c.3205C>A, p.Gln1069Lys (NM_018328.5); short protein forms Q1069K, Q1302K.
Identifiers: ClinVar variation 206096 (VCV000206096.5), dbSNP rs796052715, ClinGen allele CA315848.